The following is an entry in ClinVar:

NM_003183.6(ADAM17):c.1132A>G (p.Ile378Val)

Gene: ADAM17 (ADAM metallopeptidase domain 17; minus strand). Cytogenetic location: 2p25.1.
Variant type: single nucleotide variant.
Coding change: c.1132A>G on transcript NM_003183.6 (MANE Select); coding-DNA position 1132, A replaced by G.
Protein change: p.Ile378Val; replaces isoleucine 378 with valine.
Molecular consequence: missense variant.
Genome position (GRCh38, 1-based): chr2:9,517,960, T>C on the plus strand (A>G on the coding strand, the complement: ADAM17 is on the minus strand). VCF-style: chr2-9517960-T-C. GRCh37 (hg19) VCF-style: chr2-9658089-T-C.
Other names: c.472A>G, p.Ile158Val (NM_001382777.1); c.235A>G, p.Ile79Val (NM_001382778.1); short protein forms I158V, I378V, I79V.
Identifiers: ClinVar variation 964276 (VCV000964276.8), dbSNP rs1664137750, ClinGen allele CA345779943.
Genomic context (GRCh38, chr2:9,517,960, plus strand): 5'-CCTTTGTAAGGATGGTTTTACCATAATTCTTTGTGCTCGTCAAACCACTATTCAAATAGA[T>C]ATTTTTCTTCCCAACTGGGCTATAATAAGCTAAAGTCAAAAGGAAACAGAGATAAATTGC-3'
Protein context (NP_003174.3, residues 368-388): AYYSPVGKKN[Ile378Val]YLNSGLTSTK

ClinVar aggregate classification (germline): Uncertain significance (1 of 4 stars; one submission).

Conditions:
Inflammatory skin and bowel disease, neonatal, 1. Identifiers: Orphanet 294023, MedGen C3280501, MONDO:0013693, OMIM 614328.

Submission:

Labcorp Genetics (formerly Invitae), Labcorp
Classification: Uncertain significance for Inflammatory skin and bowel disease, neonatal, 1. Last evaluated: 2019-11-06. Review status: criteria provided, single submitter. Criteria: Invitae Variant Classification Sherloc (09022015). Collection method: clinical testing. Allele origin: germline.
Comment: This sequence change replaces isoleucine with valine at codon 378 of the ADAM17 protein (p.Ile378Val). The isoleucine residue is moderately conserved and there is a small physicochemical difference between isoleucine and valine. This variant is not present in population databases (ExAC no frequency). This variant has not been reported in the literature in individuals with ADAM17-related conditions. Algorithms developed to predict the effect of missense changes on protein structure and function (SIFT, PolyPhen-2, Align-GVGD) all suggest that this variant is likely to be tolerated, but these predictions have not been confirmed by published functional studies and their clinical significance is uncertain. In summary, the available evidence is currently insufficient to determine the role of this variant in disease. Therefore, it has been classified as a Variant of Uncertain Significance.